The following is an entry in ClinVar:

NM_001018113.3(FANCB):c.-70-246C>T

Gene: FANCB (FA complementation group B; minus strand). Cytogenetic location: Xp22.2.
Variant type: single nucleotide variant.
Coding change: c.-70-246C>T on transcript NM_001018113.3 (MANE Select); 246 bases into the intron before 70 bases upstream of the start codon, C replaced by T.
Molecular consequence: intron variant.
Genome position (GRCh38, 1-based): chrX:14,865,826, G>A on the plus strand (C>T on the coding strand, the complement: FANCB is on the minus strand). VCF-style: chrX-14865826-G-A. GRCh37 (hg19) VCF-style: chrX-14883948-G-A.
Other names: c.-70-246C>T (NM_001324162.2, NM_152633.4).
Identifiers: ClinVar variation 691297 (VCV000691297.4), dbSNP rs5935816, ClinGen allele CA15053922.

ClinVar aggregate classification (germline): Benign. Review status: criteria provided, single submitter (1 of 4 stars). 2 submissions from 2 submitters: Benign (1). 1 of the submissions does not count toward it. Last evaluated 2019-04-09.

Conditions:
X-linked central congenital hypothyroidism with late-onset testicular enlargement. Also called: HYPOTHYROIDISM, CENTRAL, WITH TESTICULAR ENLARGEMENT; Hypothyroidism, central, and testicular enlargement. Identifiers: Orphanet 329235, MedGen C3550963, MONDO:0010475, OMIM 300888.

Allele frequency attached by ClinVar (database versions not stated): 1000 Genomes Project 0.43285; 1000 Genomes Project 30x 0.44391; TOPMed 0.52639; gnomAD 0.55158.

Submissions (2):

GeneDx
Classification: Benign. Last evaluated: 2019-04-09. Review status: criteria provided, single submitter. Criteria: GeneDx Variant Classification Process June 2021. Collection method: clinical testing. Allele origin: germline. Affected: yes.

Leiden Open Variation Database
Classification: Likely benign for X-linked central congenital hypothyroidism with late-onset testicular enlargement. Last evaluated: 2020-02-28. Review status: no assertion criteria provided. Collection method: curation. Allele origin: germline. Affected: yes. Not counted in ClinVar's aggregate classification.
Comment: Curator: Arleen D. Auerbach. Submitter to LOVD: Yu Sun.